The following is an entry in ClinVar:

ClinVar aggregate classification (germline): Uncertain significance. Review status: criteria provided, multiple submitters, no conflicts (2 of 4 stars). 2 submissions from 2 submitters: Uncertain significance (2). Last evaluated 2026-09-10.

Conditions:
GNAS-related disorder. Identifiers: MedGen CN380105.
Pseudohypoparathyroidism type 1C (PHP1C). Also called: PSEUDOHYPOPARATHYROIDISM, TYPE IC; PHP IC; Pseudohypoparathyroidism Ic (PHP-Ic). Identifiers: Orphanet 79444, MedGen C2932716, MONDO:0012911, OMIM 612462.
Pseudohypoparathyroidism type I A (PHP1A). Also called: Pseudohypoparathyroidism Ia (PHP-Ia); Pseudohypoparathyroidism Type IA; ALBRIGHT HEREDITARY OSTEODYSTROPHY WITH MULTIPLE HORMONE RESISTANCE; PHP IA; Pseudohypoparathyroidism type 1A. Identifiers: Orphanet 79443, MedGen C3494506, MONDO:0007078, OMIM 103580.
Pseudohypoparathyroidism type 1B (PHP1B). Also called: Pseudohypoparathyroidism Ib (PHP-Ib); PHP IB; Pseudohypoparathyroidism Type IB. Identifiers: Orphanet 94089, MedGen C1864100, MONDO:0011301, OMIM 603233.
Pseudopseudohypoparathyroidism (PPHP). Also called: ALBRIGHT HEREDITARY OSTEODYSTROPHY WITHOUT MULTIPLE HORMONE RESISTANCE; Pseudopseudohypoparathyroidism (PPHP). Identifiers: Orphanet 79445, MedGen C0033835, MONDO:0012912, OMIM 612463.

gnomAD v4.1: 12 of 1,613,052 alleles (0.00074%); highest among the groups gnomAD compares: African/African-American, 0.0053%; no homozygotes.

Submissions (2):

PreventionGenetics, part of Exact Sciences
Classification: Uncertain significance for GNAS-related condition. Last evaluated: 2026-09-10. Review status: criteria provided, single submitter. Criteria: ACMG Guidelines, 2015. Collection method: clinical testing. Allele origin: germline.
Comment: The GNAS c.1798C>T variant is predicted to result in the amino acid substitution p.Arg600Cys. To our knowledge, this variant has not been reported in the literature. This variant is reported in 0.00089% of alleles in individuals of European (Non-Finnish) descent in gnomAD. At this time, the clinical significance of this variant is uncertain due to the absence of conclusive functional and genetic evidence.

New York Genome Center
Classification: Uncertain significance for Pseudohypoparathyroidism type I A; Pseudohypoparathyroidism type 1B; Pseudohypoparathyroidism type 1C; Pseudopseudohypoparathyroidism. Last evaluated: 2021-10-13. Review status: criteria provided, single submitter. Criteria: NYGC Assertion Criteria 2020. Collection method: clinical testing. Allele origin: germline. Observed: 1 heterozygote.
Comment: The heterozygous c.1798C>T (p.Arg600Cys) missense variant identified in the GNAS gene has not been reported in affected individuals in the literature. The variant has 0.000006568 allele frequency in the gnomAD(v3) database (1 out of 152258 heterozygous alleles, no homozygotes) suggesting it is not a common benign variant in the populations represented in that database. The variant affects a moderately conserved residue and multiple in silico prediction tools provide conflicting predictions about potential pathogenicity of this variant (CADD score = 22.7, REVEL score = 0.174). Based on the available evidence, the heterozygous c.1798C>T (p. Arg600Cys) variant identified in the GNAS gene is reported as a Variant of Uncertain Significance.

NM_080425.4(GNAS):c.1798C>T (p.Arg600Cys)

Gene: GNAS (GNAS complex locus; plus strand). Cytogenetic location: 20q13.32.
Variant type: single nucleotide variant.
Coding change: c.1798C>T on transcript NM_080425.4 (MANE Plus Clinical); coding-DNA position 1798, C replaced by T.
Protein change: p.Arg600Cys; replaces arginine 600 with cysteine.
Molecular consequence: missense variant. On other transcripts: synonymous variant (2), intron variant (3).
Genome position (GRCh38, 1-based): chr20:58,855,063, C>T. VCF-style: chr20-58855063-C-T. GRCh37 (hg19) VCF-style: chr20-57430118-C-T.
Other names: c.1611C>T, p.Ala537= (NM_001077490.3, NM_001309883.1); c.1798C>T, p.Arg600Cys (NM_001410913.1); c.*42+14177C>T (NM_016592.5); c.43+14177C>T (NM_001410912.1); c.-39+13188C>T (NM_001309861.2); short protein forms R600C.
Identifiers: ClinVar variation 1803856 (VCV001803856.2), dbSNP rs74897360, ClinGen allele CA9926768.
Genomic context (GRCh38, chr20:58,855,063, plus strand): 5'-GAGTCCGACGATGGGACCTCCGGATGCCTCCGCTGGTTTCAGCATCGGCGAAATCGCCGC[C>T]GCCGAAAGCCCCAGCGCAACTTACTCCGCAACTTTCTCGTGCAAGCCTTCGGGGGCTGCT-3'
Protein context (NP_536350.2, residues 590-610): RWFQHRRNRR[Arg600Cys]RKPQRNLLRN